The following is an entry in ClinVar:

NM_001754.5(RUNX1):c.509-14T>A

Genes: RUNX1 (RUNX family transcription factor 1; minus strand), RUNX1-AS1 (RUNX1 antisense RNA 1; plus strand). Cytogenetic location: 21q22.12.
Variant type: single nucleotide variant.
Coding change: c.509-14T>A on transcript NM_001754.5 (MANE Select); 14 bases into the intron before coding-DNA position 509, T replaced by A.
Molecular consequence: intron variant.
Genome position (GRCh38, 1-based): chr21:34,859,592, A>T on the plus strand (T>A on the coding strand, the complement: RUNX1 is on the minus strand). VCF-style: chr21-34859592-A-T. GRCh37 (hg19) VCF-style: chr21-36231889-A-T.
Other names: c.428-14T>A (NM_001001890.3, NM_001122607.2).
Identifiers: ClinVar variation 1628518 (VCV001628518.9), dbSNP rs2146237245, ClinGen allele CA2573157353.
Genomic context (GRCh38, chr21:34,859,592, plus strand): 5'-TTGCGGTGGGTTTGTGAAGACAGTGATGGTCAGAGTGAAGCTTTTCCCTGTGGGGACACG[A>T]TAGAGAACAAAACAGAATGAGGTTGGTGGCCTGAACATATCTGTTGAATAACCAATCATT-3'

ClinVar aggregate classification (germline): Likely benign. Review status: reviewed by expert panel (3 of 4 stars). 2 submissions from 2 submitters: Likely benign (1). 1 of the submissions does not count toward it. Last evaluated 2025-01-15.

Conditions:
Hereditary thrombocytopenia and hematological cancer predisposition syndrome associated with RUNX1. Also called: Familial Platelet Disorder with Propensity to Acute Myelogenous Leukemia; Familial thrombocytopenia with propensity to acute myelogenous leukemia; PLATELET DISORDER, ASPIRIN-LIKE; RUNX1 Familial Platelet Disorder with Associated Myeloid Malignancies. Identifiers: Orphanet 71290, MedGen C1832388, MeSH C563324, MONDO:0100083, OMIM 601399.
Hereditary thrombocytopenia and hematologic cancer predisposition syndrome. Identifiers: Orphanet 71290, MedGen CN281654, MONDO:0011071.

Allele frequency attached by ClinVar (database versions not stated): gnomAD exomes 0.00001.
gnomAD v4.1: 4 of 1,596,412 alleles (0.00025%); highest among the groups gnomAD compares: Non-Finnish European, 0.00034%; no homozygotes.

Submissions (2):

ClinGen Myeloid Malignancy Variant Curation Expert Panel
Classification: Likely benign for Hereditary thrombocytopenia and hematologic cancer predisposition syndrome. Last evaluated: 2025-01-15. Review status: reviewed by expert panel. Criteria: ClinGen MyeloMalig ACMG Specifications v2. Collection method: curation. Allele origin: germline. Inheritance: Autosomal dominant inheritance.
Comment: NM_001754.5(RUNX1):c.509-14T>A is an intronic variant which is absent from all population databases, including gnomAD v2.1.1 and gnomAD v3.1.2, both of which provide at least 20x coverage for the RUNX1 gene at this genomic position (PM2_supporting). Evolutionary conservation algorithms indicate that the site is not conserved (PhyloP100way score of 0.872, < 2.0), supporting BP7. SpliceAI predicts no impact on the splice consensus sequence and no creation of a new splice site, supporting BP4. Furthermore, this variant has not been reported in any patients with RUNX1-related diseases. In summary, this variant meets the criteria to be classified as likely benign. ACMG/AMP criteria applied, as specified by the Myeloid Malignancy Variant Curation Expert Panel for RUNX1: PM2_supporting, BP4, BP7.

Labcorp Genetics (formerly Invitae), Labcorp
Classification: Likely benign for Hereditary thrombocytopenia and hematological cancer predisposition syndrome associated with RUNX1. Last evaluated: 2021-04-03. Review status: criteria provided, single submitter. Criteria: Invitae Variant Classification Sherloc (09022015). Collection method: clinical testing. Allele origin: germline. Not counted in ClinVar's aggregate classification.